The following is an entry in ClinVar:

ClinVar aggregate classification (germline): Conflicting classifications of pathogenicity. Review status: criteria provided, conflicting classifications (1 of 4 stars). 13 submissions from 12 submitters: Uncertain significance (3); Benign (2); Likely benign (4). 4 of the submissions do not count toward it. Last evaluated 2026-01-31.

Conditions:
CDH23-related disorder. Also called: CDH23-related condition; CDH23-related disorders.
Usher syndrome type 1 (USH1). Also called: RETINITIS PIGMENTOSA AND CONGENITAL DEAFNESS. Identifiers: Orphanet 231169, Orphanet 886, MedGen C1568247, MONDO:0010168, OMIM 276900.
VATER association. Also called: VACTERL/vater association; Vacterl association. Identifiers: Orphanet 887, MedGen C4225671, MONDO:0008642, OMIM 192350.
Autosomal recessive nonsyndromic hearing loss 12. Also called: DEAFNESS, AUTOSOMAL RECESSIVE 12. Identifiers: Orphanet 90636, MedGen C1832394, MONDO:0011067, OMIM 601386.
Usher syndrome type 1D (USH1D). Also called: USHER SYNDROME, TYPE ID. Identifiers: Orphanet 231169, Orphanet 886, MedGen C1832845, MONDO:0010984, OMIM 601067.

Allele frequency attached by ClinVar (database versions not stated): ESP Exome Variant Server 0.00016; gnomAD 0.00023 and 0.00025; TOPMed 0.00039; 1000 Genomes Project 0.00040; 1000 Genomes Project 30x 0.00047.
gnomAD v4.1: 373 of 1,613,742 alleles (0.023%); highest among the groups gnomAD compares: East Asian, 0.33%; 9 homozygotes.

Submissions (13):

Labcorp Genetics (formerly Invitae), Labcorp
Classification: Benign. Last evaluated: 2026-01-31. Review status: criteria provided, single submitter. Criteria: Invitae Variant Classification Sherloc (09022015). Collection method: clinical testing. Allele origin: germline.

Women's Health and Genetics/Laboratory Corporation of America, LabCorp
Classification: Likely benign. Last evaluated: 2025-11-11. Review status: criteria provided, single submitter. Criteria: LabCorp Variant Classification Summary - May 2015. Collection method: clinical testing. Allele origin: germline.
Comment: Variant summary: CDH23 c.2572G>A (p.Val858Ile) results in a conservative amino acid change in the encoded protein sequence. Algorithms developed to predict the effect of missense changes on protein structure and function are either unavailable or do not agree on the potential impact of this missense change. The variant allele was found at a frequency of 0.00039 in 248328 control chromosomes, predominantly at a frequency of 0.0043 within the East Asian subpopulation in the gnomAD database, including 1 homozygotes. The observed variant frequency within East Asian control individuals in the gnomAD database exceeds the estimated maximal expected allele frequency for disease-causing variants in CDH23. c.2572G>A has been observed in individual(s) affected with Usher Syndrome (example: Zhang_2020). These report(s) do not provide unequivocal conclusions about association of the variant with Usher Syndrome. To our knowledge, no experimental evidence demonstrating an impact on protein function has been reported. The following publication has been ascertained in the context of this evaluation (PMID: 32425987). ClinVar contains an entry for this variant (Variation ID: 45898). Based on the evidence outlined above, the variant was classified as likely benign.

Blueprint Genetics
Classification: Likely benign. Last evaluated: 2024-10-22. Review status: criteria provided, single submitter. Criteria: ACMG Guidelines, 2015. Collection method: clinical testing. Allele origin: germline.

GeneDx
Classification: Benign. Last evaluated: 2019-08-12. Review status: criteria provided, single submitter. Criteria: GeneDx Variant Classification Process June 2021. Collection method: clinical testing. Allele origin: germline. Affected: yes.
Comment: This variant is associated with the following publications: (PMID: 32425987, 31054281)

Cambridge Genomics Laboratory, East Genomic Laboratory Hub, NHS Genomic Medicine Service
Classification: Uncertain significance for VATER association. Last evaluated: 2019-04-17. Review status: criteria provided, single submitter. Criteria: ACGS Best Practice Guidelines for Variant Classification in Rare Disease 2020. Collection method: clinical testing. Allele origin: germline. Affected: yes. Observed: 1 variant allele.

Illumina Laboratory Services, Illumina
Classification: Uncertain significance for Autosomal recessive nonsyndromic hearing loss 12. Last evaluated: 2018-01-13. Review status: criteria provided, single submitter. Criteria: ICSL Variant Classification Criteria 13 December 2019. Collection method: clinical testing. Allele origin: germline.

Illumina Laboratory Services, Illumina
Classification: Uncertain significance for Usher syndrome type 1D. Last evaluated: 2018-01-13. Review status: criteria provided, single submitter. Criteria: ICSL Variant Classification Criteria 13 December 2019. Collection method: clinical testing. Allele origin: germline.

Laboratory for Molecular Medicine, Mass General Brigham Personalized Medicine
Classification: Likely benign. Last evaluated: 2017-06-20. Review status: criteria provided, single submitter. Criteria: LMM Criteria. Collection method: clinical testing. Allele origin: germline. Observed: 5 variant alleles.
Comment: p.Val858Ile in exon 23 of CDH23: This variant is not expected to have clinical s ignificance because the valine (Val) at position 858 is not conserved, with over 10 mammals having an isoleuceine (Ile) at this position. Furthermore, the vari ant is present in 0.4% (83/18868) of East Asian chromosomes by the Genome Aggreg ation Database (gnomAD; dbSNP rs181275139).

Eurofins Ntd Llc (ga)
Classification: Likely benign. Last evaluated: 2016-07-26. Review status: criteria provided, single submitter. Criteria: EGL Classification Definitions 2015. Collection method: clinical testing. Allele origin: germline. Observed: 2 variant alleles, 2 heterozygotes.

PreventionGenetics, part of Exact Sciences
Classification: Likely benign for CDH23-related condition. Last evaluated: 2023-12-26. Review status: no assertion criteria provided. Collection method: clinical testing. Allele origin: germline. Not counted in ClinVar's aggregate classification.
Comment: This variant is classified as likely benign based on ACMG/AMP sequence variant interpretation guidelines (Richards et al. 2015 PMID: 25741868, with internal and published modifications).

Natera, Inc.
Classification: Benign for Usher syndrome type 1. Last evaluated: 2020-04-15. Review status: no assertion criteria provided. Collection method: clinical testing. Allele origin: germline. Not counted in ClinVar's aggregate classification.

Clinical Genetics DNA and cytogenetics Diagnostics Lab, Erasmus MC, Erasmus Medical Center
Classification: Likely benign. Review status: no assertion criteria provided. Collection method: clinical testing. Allele origin: germline. Affected: yes. Study: VKGL Data-share Consensus. Not counted in ClinVar's aggregate classification.

Joint Genome Diagnostic Labs from Nijmegen and Maastricht, Radboudumc and MUMC+
Classification: Likely benign. Review status: no assertion criteria provided. Collection method: clinical testing. Allele origin: germline. Affected: yes. Study: VKGL Data-share Consensus. Not counted in ClinVar's aggregate classification.

Literature cited by the submitters: PubMed 32425987 (cited by Women's Health and Genetics/Laboratory Corporation of America, LabCorp).

NM_022124.6(CDH23):c.2572G>A (p.Val858Ile)

Gene: CDH23 (cadherin related 23; plus strand). Cytogenetic location: 10q22.1.
Variant type: single nucleotide variant.
Coding change: c.2572G>A on transcript NM_022124.6 (MANE Select); coding-DNA position 2572, G replaced by A.
Protein change: p.Val858Ile; replaces valine 858 with isoleucine.
Molecular consequence: missense variant.
Genome position (GRCh38, 1-based): chr10:71,702,196, G>A. VCF-style: chr10-71702196-G-A. GRCh37 (hg19) VCF-style: chr10-73461953-G-A.
Other names: c.2572G>A, p.Val858Ile (NM_001171930.2, NM_001171931.2); short protein forms V858I.
Identifiers: ClinVar variation 45898 (VCV000045898.33), dbSNP rs181275139, ClinGen allele CA137330.